The following is an entry in ClinVar:

ClinVar aggregate classification (germline): Likely benign. Review status: criteria provided, single submitter (1 of 4 stars). 2 submissions from 2 submitters: Likely benign (1). 1 of the submissions does not count toward it. Last evaluated 2025-03-04.

Conditions:
FLNB-related disorder. Also called: FLNB-related disorders; FLNB-related condition. Identifiers: MedGen CN381095.

gnomAD v4.1: 9 of 1,614,040 alleles (0.00056%); highest among the groups gnomAD compares: East Asian, 0.016%; no homozygotes.

Submissions (2):

Labcorp Genetics (formerly Invitae), Labcorp
Classification: Likely benign. Last evaluated: 2025-03-04. Review status: criteria provided, single submitter. Criteria: Invitae Variant Classification Sherloc (09022015). Collection method: clinical testing. Allele origin: germline.

PreventionGenetics, part of Exact Sciences
Classification: Likely benign for FLNB-related condition. Last evaluated: 2022-04-13. Review status: no assertion criteria provided. Collection method: clinical testing. Allele origin: germline. Not counted in ClinVar's aggregate classification.
Comment: This variant is classified as likely benign based on ACMG/AMP sequence variant interpretation guidelines (Richards et al. 2015 PMID: 25741868, with internal and published modifications).

NM_001457.4(FLNB):c.2637G>T (p.Pro879=)

Gene: FLNB (filamin B; plus strand). Cytogenetic location: 3p14.3.
Variant type: single nucleotide variant.
Coding change: c.2637G>T on transcript NM_001457.4 (MANE Select); coding-DNA position 2637, G replaced by T.
Protein change: p.Pro879=; no amino-acid change (proline 879 retained).
Molecular consequence: synonymous variant.
Genome position (GRCh38, 1-based): chr3:58,112,210, G>T. VCF-style: chr3-58112210-G-T. GRCh37 (hg19) VCF-style: chr3-58097937-G-T.
Other names: c.2637G>T, p.Pro879= (NM_001164317.2, NM_001164318.2, NM_001164319.2); c.2637G>T (NM_001457.3).
Identifiers: ClinVar variation 2872036 (VCV002872036.5), dbSNP rs149334776, ClinGen allele CA434036632.